The following is an entry in ClinVar:

NM_000327.4(ROM1):c.338G>C (p.Gly113Ala)

Gene: ROM1 (retinal outer segment membrane protein 1; plus strand). Cytogenetic location: 11q12.3.
Variant type: single nucleotide variant.
Coding change: c.338G>C on transcript NM_000327.4 (MANE Select); coding-DNA position 338, G replaced by C.
Protein change: p.Gly113Ala; replaces glycine 113 with alanine.
Molecular consequence: missense variant.
Genome position (GRCh38, 1-based): chr11:62,613,619, G>C. VCF-style: chr11-62613619-G-C. GRCh37 (hg19) VCF-style: chr11-62381091-G-C.
Other names: short protein forms G113A.
Identifiers: ClinVar variation 964368 (VCV000964368.10), dbSNP rs145383959, ClinGen allele CA6049715.

ClinVar aggregate classification (germline): Uncertain significance. Review status: criteria provided, single submitter (1 of 4 stars). 2 submissions from 2 submitters: Uncertain significance (1). 1 of the submissions does not count toward it. Last evaluated 2025-04-16.

Conditions:
Retinal dystrophy. Also called: Inherited retinal dystrophy. Identifiers: Orphanet 71862, MedGen C0854723, MeSH D058499, MONDO:0019118, HP:0000556.

gnomAD v4.1: 48 of 1,612,830 alleles (0.003%); highest among the groups gnomAD compares: Admixed American, 0.045%; no homozygotes.

Submissions (2):

Labcorp Genetics (formerly Invitae), Labcorp
Classification: Uncertain significance. Last evaluated: 2025-04-16. Review status: criteria provided, single submitter. Criteria: Invitae Variant Classification Sherloc (09022015). Collection method: clinical testing. Allele origin: germline.
Comment: This sequence change replaces glycine, which is neutral and non-polar, with alanine, which is neutral and non-polar, at codon 113 of the ROM1 protein (p.Gly113Ala). This variant is present in population databases (rs145383959, gnomAD 0.04%). This variant has not been reported in the literature in individuals affected with ROM1-related conditions. ClinVar contains an entry for this variant (Variation ID: 964368). Invitae Evidence Modeling of protein sequence and biophysical properties (such as structural, functional, and spatial information, amino acid conservation, physicochemical variation, residue mobility, and thermodynamic stability) indicates that this missense variant is not expected to disrupt ROM1 protein function with a negative predictive value of 80%. In summary, the available evidence is currently insufficient to determine the role of this variant in disease. Therefore, it has been classified as a Variant of Uncertain Significance.

Institute of Human Genetics, Univ. Regensburg, Univ. Regensburg
Classification: Uncertain significance for Retinal dystrophy. Last evaluated: 2016-01-01. Review status: no assertion criteria provided. Criteria: ACMG Guidelines, 2015. Collection method: clinical testing. Allele origin: germline. Affected: yes. Not counted in ClinVar's aggregate classification.